The following is an entry in ClinVar:

ClinVar aggregate classification (germline): Conflicting classifications of pathogenicity. Review status: criteria provided, conflicting classifications (1 of 4 stars). 2 submissions from 2 submitters: Uncertain significance (1); Likely benign (1). Last evaluated 2023-08-19.

Conditions:
Emery-Dreifuss muscular dystrophy 4, autosomal dominant (EDMD4). Also called: EMERY-DREIFUSS MUSCULAR DYSTROPHY 4 WITH VARIABLE FEATURES. Identifiers: Orphanet 261, MedGen C2751807, MONDO:0013071, OMIM 612998.
Autosomal recessive ataxia, Beauce type. Also called: SYNE1-Related Autosomal Recessive Cerebellar Ataxia; ATAXIA, RECESSIVE, OF BEAUCE; Spinocerebellar ataxia, autosomal recessive 8; SYNE1 Deficiency. Identifiers: Orphanet 88644, MedGen C1853116, MONDO:0012549, OMIM 610743.

Allele frequency attached by ClinVar (database versions not stated): gnomAD exomes below 0.00001; TOPMed 0.00002; gnomAD 0.00003.
gnomAD v4.1: 5 of 1,614,138 alleles (0.00031%); highest among the groups gnomAD compares: African/African-American, 0.0053%; no homozygotes.

Submissions (2):

Labcorp Genetics (formerly Invitae), Labcorp
Classification: Uncertain significance for Emery-Dreifuss muscular dystrophy 4, autosomal dominant; Autosomal recessive ataxia, Beauce type. Last evaluated: 2023-08-19. Review status: criteria provided, single submitter. Criteria: Invitae Variant Classification Sherloc (09022015). Collection method: clinical testing. Allele origin: germline.
Comment: This missense change has been observed in individual(s) with clinical features of SYNE1-related conditions (PMID: 29915382). In summary, the available evidence is currently insufficient to determine the role of this variant in disease. Therefore, it has been classified as a Variant of Uncertain Significance. An algorithm developed to predict the effect of missense changes on protein structure and function (PolyPhen-2) suggests that this variant is likely to be tolerated. ClinVar contains an entry for this variant (Variation ID: 212338). This variant is present in population databases (rs797046023, gnomAD 0.01%). This sequence change replaces glutamine, which is neutral and polar, with arginine, which is basic and polar, at codon 5194 of the SYNE1 protein (p.Gln5194Arg).

Genetic Services Laboratory, University of Chicago
Classification: Likely benign. Last evaluated: 2015-05-04. Review status: criteria provided, single submitter. Criteria: ACMG Guidelines, 2015. Collection method: clinical testing. Allele origin: germline.

Literature cited by the submitters: PubMed 29915382 (cited by Labcorp Genetics (formerly Invitae), Labcorp).

NM_182961.4(SYNE1):c.15794A>G (p.Gln5265Arg)

Gene: SYNE1 (spectrin repeat containing nuclear envelope protein 1; minus strand). Cytogenetic location: 6q25.2.
Variant type: single nucleotide variant.
Coding change: c.15794A>G on transcript NM_182961.4 (MANE Select); coding-DNA position 15794, A replaced by G.
Protein change: p.Gln5265Arg; replaces glutamine 5265 with arginine.
Molecular consequence: missense variant.
Genome position (GRCh38, 1-based): chr6:152,323,601, T>C on the plus strand (A>G on the coding strand, the complement: SYNE1 is on the minus strand). VCF-style: chr6-152323601-T-C. GRCh37 (hg19) VCF-style: chr6-152644736-T-C.
Other names: c.15581A>G, p.Gln5194Arg (NM_033071.5); short protein forms Q5194R, Q5265R.
Identifiers: ClinVar variation 212338 (VCV000212338.9), dbSNP rs797046023, ClinGen allele CA206616.